The following is an entry in ClinVar:

ClinVar aggregate classification (germline): Pathogenic (1 of 4 stars; one submission).

Conditions:
Ehlers-Danlos syndrome, dermatosparaxis type. Also called: EDS VIIC; Dermatosparaxis; Ehlers-Danlos syndrome, type VII, autosomal recessive. Identifiers: Orphanet 1901, MedGen C2700425, MONDO:0009161, OMIM 225410.

Submission:

Myriad Genetics, Inc.
Classification: Pathogenic for Ehlers-Danlos syndrome, dermatosparaxis type. Last evaluated: 2024-05-14. Review status: criteria provided, single submitter. Criteria: Myriad Autosomal Dominant, Autosomal Recessive and X-Linked Classification Criteria (2023). Collection method: clinical testing. Allele origin: unknown.
Comment: NM_014244.4(ADAMTS2):c.92del1ins11(P31Rfs*38) is expected to be pathogenic in the context of Ehlers-Danlos syndrome, ADAMTS2-related. This variant is predicted to lead to an abnormal or absent protein product due to the creation of a premature termination codon in ADAMTS2, a gene where loss-of-function variants are known to be pathogenic. Please note: this variant was assessed in the context of healthy population screening.

NM_014244.5(ADAMTS2):c.92delinsGCGCGGAGTTT (p.Pro31fs)

Gene: ADAMTS2 (ADAM metallopeptidase with thrombospondin type 1 motif 2; minus strand). Cytogenetic location: 5q35.3.
Variant type: Indel.
Coding change: c.92delinsGCGCGGAGTTT on transcript NM_014244.5 (MANE Select); coding-DNA position 92, C replaced by GCGCGGAGTTT.
Protein change: p.Pro31fs; shifts the reading frame from proline 31.
Molecular consequence: frameshift variant.
Genome position (GRCh38, 1-based): chr5:179,345,237, G replaced by AAACTCCGCGC on the plus strand (C replaced by GCGCGGAGTTT on the coding strand, the reverse complement: ADAMTS2 is on the minus strand). VCF-style: chr5-179345237-G-AAACTCCGCGC. GRCh37 (hg19) VCF-style: chr5-178772238-G-AAACTCCGCGC.
Other names: c.92delinsGCGCGGAGTTT, p.Pro31fs (NM_021599.4); short protein forms P31fs.
Identifiers: ClinVar variation 5011093 (VCV005011093.1).